The following is an entry in ClinVar:

NM_001367624.2(ZNF469):c.3091C>A (p.Pro1031Thr)

Gene: ZNF469 (zinc finger protein 469; plus strand). Cytogenetic location: 16q24.2.
Variant type: single nucleotide variant.
Coding change: c.3091C>A on transcript NM_001367624.2 (MANE Select); coding-DNA position 3091, C replaced by A.
Protein change: p.Pro1031Thr; replaces proline 1031 with threonine.
Molecular consequence: missense variant.
Genome position (GRCh38, 1-based): chr16:88,430,561, C>A. VCF-style: chr16-88430561-C-A. GRCh37 (hg19) VCF-style: chr16-88496969-C-A.
Other names: NM_001127464.1:c.3091C>A; short protein forms P1031T.
Identifiers: ClinVar variation 3476156 (VCV003476156.2).

ClinVar aggregate classification (germline): Uncertain significance. Review status: criteria provided, multiple submitters, no conflicts (2 of 4 stars). 2 submissions from 2 submitters: Uncertain significance (2). Last evaluated 2025-04-21.

Conditions:
Cardiovascular phenotype. Identifiers: MedGen CN230736.

gnomAD v4.1: 6 of 1,472,468 alleles (0.00041%); highest among the groups gnomAD compares: Admixed American, 0.0071%; no homozygotes.

Submissions (2):

Labcorp Genetics (formerly Invitae), Labcorp
Classification: Uncertain significance. Last evaluated: 2025-04-21. Review status: criteria provided, single submitter. Criteria: Invitae Variant Classification Sherloc (09022015). Collection method: clinical testing. Allele origin: germline.
Comment: This sequence change replaces proline, which is neutral and non-polar, with threonine, which is neutral and polar, at codon 1031 of the ZNF469 protein (p.Pro1031Thr). This variant is present in population databases (no rsID available, gnomAD 0.1%). This variant has not been reported in the literature in individuals affected with ZNF469-related conditions. ClinVar contains an entry for this variant (Variation ID: 3476156). An algorithm developed to predict the effect of missense changes on protein structure and function (PolyPhen-2) suggests that this variant is likely to be tolerated. In summary, the available evidence is currently insufficient to determine the role of this variant in disease. Therefore, it has been classified as a Variant of Uncertain Significance.

Ambry Genetics
Classification: Uncertain significance for Cardiovascular phenotype. Last evaluated: 2024-07-01. Review status: criteria provided, single submitter. Criteria: Ambry Variant Classification Scheme 2023. Collection method: clinical testing. Allele origin: germline.
Comment: The p.P1031T variant (also known as c.3091C>A), located in coding exon 1 of the ZNF469 gene, results from a C to A substitution at nucleotide position 3091. The proline at codon 1031 is replaced by threonine, an amino acid with highly similar properties. This amino acid position is conserved. In addition, this alteration is predicted to be tolerated by in silico analysis. Based on the available evidence, the clinical significance of this variant remains unclear.